The following is an entry in ClinVar:

NM_001164496.2(CFAP44):c.5540_5541dup (p.Glu1848fs)

Genes: CFAP44 (cilia and flagella associated protein 44; minus strand), SPICE1-CFAP44 (SPICE1-CFAP44 readthrough (NMD candidate); minus strand). Cytogenetic location: 3q13.2.
Variant type: Duplication.
Coding change: c.5540_5541dup on transcript NM_001164496.2 (MANE Select); coding-DNA positions 5540 to 5541, 2 bases duplicated (AA; older notation c.5540_5541dupAA).
Protein change: p.Glu1848fs; shifts the reading frame from glutamic acid 1848.
Molecular consequence: frameshift variant. On other transcripts: non-coding transcript variant (6).
Genome position (GRCh38, 1-based): chr3:113,291,581-113,291,582, TT duplicated on the plus strand (AA on the coding strand, the reverse complement: CFAP44 is on the minus strand); duplicating any 2 consecutive bases within chr3:113,291,581-113,291,583 gives the same sequence; the c. name uses the placement nearest the transcript's 3' end. VCF-style (leftmost placement, unchanged base first): chr3-113291580-C-CTT. GRCh37 (hg19) VCF-style: chr3-113010427-C-CTT.
Other names: short protein forms E1848fs.
Identifiers: ClinVar variation 3352580 (VCV003352580.1).
Genomic context (GRCh38, chr3:113,291,580, plus strand): 5'-GTCAGAAATCTTGTATGGGTTTGAGAAAATAGCAAACTCAAAGGTCTGCGGGCTGTATCT[C>CTT]TTTCTCTCGTGGAGACTGAATGGGTGGGAGGATAAGACTGCCTTTCCTACGCAAAAGAGC-3'

ClinVar aggregate classification (germline): Likely pathogenic (0 of 4 stars; one submission).

Conditions:
CFAP44-related disorder. Also called: CFAP44-related condition.

Submission:

PreventionGenetics, part of Exact Sciences
Classification: Likely pathogenic for CFAP44-related condition. Last evaluated: 2024-03-06. Review status: no assertion criteria provided. Collection method: clinical testing. Allele origin: germline.
Comment: The CFAP44 c.5540_5541dupAA variant is predicted to result in a frameshift and premature protein termination (p.Glu1848Lysfs*41). This variant has been reported in the homozygous state in an individual with multiple morphological abnormalities of the flagella (Coutton et al. 2019. PubMed ID: 30686508). This variant is reported in 0.056% of alleles in individuals of European (Non-Finnish) descent in gnomAD. Frameshift variants in CFAP44 are expected to be pathogenic. This variant is interpreted as likely pathogenic.